The following is an entry in ClinVar:

ClinVar aggregate classification (germline): Conflicting classifications of pathogenicity. Review status: criteria provided, conflicting classifications (1 of 4 stars). 6 submissions from 6 submitters: Uncertain significance (4); Likely benign (2). Last evaluated 2025-11-23.

Conditions:
Hereditary cancer-predisposing syndrome. Also called: Tumor predisposition; Hereditary Cancer Syndrome; Neoplastic Syndromes, Hereditary; Hereditary neoplastic syndrome. Identifiers: Orphanet 140162, MedGen C0027672, MeSH D009386, MONDO:0015356.
Hereditary breast ovarian cancer syndrome. Also called: Breast and ovarian cancer; Hereditary breast and ovarian cancer; Hereditary breast and ovarian cancer syndrome; Hereditary breast and/or ovarian cancer syndrome; BRCA1- and BRCA2-Associated Hereditary Breast and Ovarian Cancer; Hereditary breast and ovarian cancer syndrome (HBOC). Identifiers: Orphanet 145, MedGen C0677776, MeSH D061325, MONDO:0003582. Disease mechanism: loss of function.
Breast-ovarian cancer, familial, susceptibility to, 1 (BROVCA1). Also called: BRCA1 Hereditary Breast and Ovarian Cancer; OVARIAN CANCER, SUSCEPTIBILITY TO. Identifiers: Orphanet 145, MedGen C2676676, MONDO:0011450, OMIM 604370. Disease mechanism: loss of function.

Allele frequency attached by ClinVar (database versions not stated): gnomAD exomes below 0.00001; TOPMed below 0.00001; ExAC 0.00001; gnomAD 0.00001.

Submissions (7):

Labcorp Genetics (formerly Invitae), Labcorp
Classification: Uncertain significance for Hereditary breast ovarian cancer syndrome. Last evaluated: 2025-11-23. Review status: criteria provided, single submitter. Criteria: Invitae Variant Classification Sherloc (09022015). Collection method: clinical testing. Allele origin: germline.
Comment: This sequence change replaces glutamic acid, which is acidic and polar, with glycine, which is neutral and non-polar, at codon 29 of the BRCA1 protein (p.Glu29Gly). This variant is present in population databases (rs773841328, gnomAD 0.0009%). This variant has not been reported in the literature in individuals affected with BRCA1-related conditions. ClinVar contains an entry for this variant (Variation ID: 231722). Invitae Evidence Modeling incorporating data from in vitro experimental studies (PMID: 30209399) indicates that this missense variant is not expected to disrupt BRCA1 function with a negative predictive value of 95%. Experimental studies have shown that this missense change does not substantially affect BRCA1 function (PMID: 30219179, 34793697). In summary, the available evidence is currently insufficient to determine the role of this variant in disease. Therefore, it has been classified as a Variant of Uncertain Significance.

Color Diagnostics, LLC DBA Color Health
Classification: Uncertain significance for Hereditary cancer-predisposing syndrome. Last evaluated: 2025-10-13. Review status: criteria provided, single submitter. Criteria: ACMG Guidelines, 2015. Collection method: clinical testing. Allele origin: germline.
Comment: This missense variant replaces glutamic acid with glycine at codon 29 of the BRCA1 protein. Computational prediction suggests that this variant may have deleterious impact on protein structure and function. Functional studies have reported that this variant does not impact BRCA1 in a haploid cell proliferation assay and in a mammalian two-hybrid assay (PMID: 30209399, 35659930). To our knowledge, this variant has not been reported in individuals affected with BRCA1-related disorders in the literature. This variant has been identified in 3/1613172 chromosomes in the general population by the Genome Aggregation Database (gnomAD). The available evidence is insufficient to determine the role of this variant in disease conclusively. Therefore, this variant is classified as a Variant of Uncertain Significance.

Lupski Lab, Baylor-Hopkins CMG, Baylor College of Medicine
Classification: Likely benign for Breast-ovarian cancer, familial, susceptibility to, 1. Last evaluated: 2024-04-12. Review status: criteria provided, single submitter. Criteria: Dawood et al. (medRxiv. 2024). Collection method: curation. Allele origin: germline.
Comment: Each variant was annotated with functional scores from MAVE data which was translated into functional evidence codes. All other evidence codes and combining criteria were adhered to as closely as possible based on the ClinGen VCEP (Variant Curation Expert Panel) gene-specific recommendations. See Supplemental Figure 34 of final paper (Supp Fig. 28 in preprint: doi:10.1101/2024.04.11.24305690) for a table to see which lines of evidence we did not have data for. The ClinGen VCEPs are highly regarded as the gold-standard for gene-specific variant curation and are developed after extensive evaluation of the evidence by clinical and scientific experts for the particular gene to classify genomic variants on a spectrum from pathogenic to benign using the 2015 ACMG/AMP Variant Interpretation Guidelines as a backbone (PMID: 25741868). Reclassification of these VUS variants from gnomAD or All of Us focused only on variants originally prescribed as VUS in ClinVar. To ensure reproducibility, transparency, and increased throughput, all the procedures for annotating variants and assigning evidence codes were codified using Python. All code has been made freely available and is linked in the Code Availability section and all reclassified variants with evidence codes used can be found in Tables S18-19 (preprint: doi:10.1101/2024.04.11.24305690). For the MAVE data, the clinical curation and clinical strength assignment as per the ClinGen recommendations in Brnich et al. (2020) (PMID: 31892348) for or against pathogenicity or benignity of each of these MAVE datasets utilized in this study were previously published in Fayer et al. (2021) (PMID: 34793697).In brief, for BRCA1 variants, if a variant was categorized as FUNC (functional), it was assigned BS3 evidence and no PS3 evidence, whereas if it was categorized as LOF (loss of function), the variant was assigned PS3 evidence and no BS3 evidence. Variants categorized as INT (intermediate) were left unannotated. For the BRCA1 combining criteria, greater than or equal to 1 criteria of strong benign evidence was enough to reclassify the VUS as Likely Benign. This variant GRCh38:17:43115774:T>C was assigned evidence codes ['BS3'] and an overall classification of Likely benign

All of Us Research Program, National Institutes of Health
Classification: Uncertain significance for Breast-ovarian cancer, familial, susceptibility to, 1. Last evaluated: 2024-01-08. Review status: criteria provided, single submitter. Criteria: ACMG Guidelines, 2015. Collection method: clinical testing. Allele origin: germline. Inheritance: Autosomal dominant inheritance. Observed: 3 variant alleles, 3 heterozygotes.
Comment: This study involves interpretation of variants in research participants for the purpose of population health screening. Participant phenotype was not available at the time of variant classification. Additional details can be found in publication PMID: 35346344, PMCID: PMC8962531

Ambry Genetics
Classification: Likely benign for Hereditary cancer-predisposing syndrome. Last evaluated: 2022-03-22. Review status: criteria provided, single submitter. Criteria: Ambry Variant Classification Scheme 2023. Collection method: clinical testing. Allele origin: germline.

ARUP Laboratories, Molecular Genetics and Genomics, ARUP Laboratories
Classification: Uncertain significance. Last evaluated: 2020-06-16. Review status: criteria provided, single submitter. Criteria: ARUP Molecular Germline Variant Investigation Process. Collection method: clinical testing. Allele origin: germline.
Comment: The BRCA1 c.86A>G; p.Glu29Gly variant (rs773841328), to our knowledge, is not reported in the medical literature but is reported in ClinVar (Variation ID: 231722). This variant is only observed on one allele in the Genome Aggregation Database, indicating it is not a common polymorphism. The glutamic acid at codon 29 is moderately conserved, and computational analyses (SIFT, PolyPhen-2) predict that this variant is deleterious. However, in vitro functional analyses demonstrate little effect on homology directed repair activity (Starita 2018). Due to limited information, the clinical significance of the p.Glu29Gly variant is uncertain at this time. References: Starita LM et al. A Multiplex Homology-Directed DNA Repair Assay Reveals the Impact of More Than 1,000 BRCA1 Missense Substitution Variants on Protein Function. Am J Hum Genet. 2018;103(4):498-508.

Brotman Baty Institute, University of Washington
No classification provided (evidence only). Condition: Breast-ovarian cancer, familial 1. Review status: no classification provided. Collection method: in vitro. Allele origin: not applicable. Functional consequence: functionally_normal. Not counted in ClinVar's aggregate classification.
ClinVar note: "not provided" was previously submitted as the classification for the variant. However, the classification appeared to be based only on an observation of functional data so it was converted to no classification on 2025-07-30.

Literature cited by the submitters: PubMed 30209399 (cited by 3 submitters); PubMed 30219179 (cited by Labcorp Genetics (formerly Invitae), Labcorp); PubMed 34793697 (cited by Labcorp Genetics (formerly Invitae), Labcorp and Lupski Lab, Baylor-Hopkins CMG, Baylor College of Medicine); PubMed 35659930 (cited by Color Diagnostics, LLC DBA Color Health); PubMed 39142283 (cited by Lupski Lab, Baylor-Hopkins CMG, Baylor College of Medicine); DOI 10.1101/2024.04.11.24305690 (cited by Lupski Lab, Baylor-Hopkins CMG, Baylor College of Medicine).

NM_007294.4(BRCA1):c.86A>G (p.Glu29Gly)

Gene: BRCA1 (BRCA1 DNA repair associated; minus strand). Cytogenetic location: 17q21.31.
Variant type: single nucleotide variant.
Coding change: c.86A>G on transcript NM_007294.4 (MANE Select); coding-DNA position 86, A replaced by G.
Protein change: p.Glu29Gly; replaces glutamic acid 29 with glycine.
Molecular consequence: missense variant. On other transcripts: non-coding transcript variant (1), intron variant (1).
Genome position (GRCh38, 1-based): chr17:43,115,774, T>C on the plus strand (A>G on the coding strand, the complement: BRCA1 is on the minus strand). VCF-style: chr17-43115774-T-C. GRCh37 (hg19) VCF-style: chr17-41267791-T-C.
Other names: c.-103A>G (NM_001407571.1, NM_001407853.1, NM_001407879.1 and 52 more transcripts); c.86A>G, p.Glu29Gly (NM_001407581.1, NM_001407582.1, NM_001407583.1 and 192 more transcripts); c.-172A>G (NM_001407696.1, NM_001407724.1, NM_001407727.1 and 13 more transcripts); c.-56A>G (NM_001407697.1, NM_001407725.1, NM_001407728.1 and 47 more transcripts); c.-52A>G (NM_001407841.1); c.-219A>G (NM_001407889.1, NM_001407900.1, NM_001408492.1); c.-218A>G (NM_001407960.1, NM_001407962.1, NM_001408510.1 and 1 more transcripts); c.-334A>G (NM_001407965.1); and 2 more; short protein forms E29G.
Identifiers: ClinVar variation 231722 (VCV000231722.29), dbSNP rs773841328, ClinGen allele CA059876.